The following is an entry in ClinVar:

ClinVar aggregate classification (germline): Likely benign (0 of 4 stars; one submission).

Conditions:
KRT13-related disorder. Also called: KRT13-related condition.

Allele frequency attached by ClinVar (database versions not stated): TOPMed 0.00002; gnomAD 0.00007; ESP Exome Variant Server 0.00008; ExAC 0.00023; 1000 Genomes Project 0.00040; 1000 Genomes Project 30x 0.00047.

Submission:

PreventionGenetics, part of Exact Sciences
Classification: Likely benign for KRT13-related condition. Last evaluated: 2019-06-10. Review status: no assertion criteria provided. Collection method: clinical testing. Allele origin: germline.
Comment: This variant is classified as likely benign based on ACMG/AMP sequence variant interpretation guidelines (Richards et al. 2015 PMID: 25741868, with internal and published modifications).

NM_153490.3(KRT13):c.48C>T (p.Phe16=)

Gene: KRT13 (keratin 13; minus strand). Cytogenetic location: 17q21.2.
Variant type: single nucleotide variant.
Coding change: c.48C>T on transcript NM_153490.3 (MANE Select); coding-DNA position 48, C replaced by T.
Protein change: p.Phe16=; no amino-acid change (phenylalanine 16 retained).
Molecular consequence: synonymous variant.
Genome position (GRCh38, 1-based): chr17:41,505,503, G>A on the plus strand (C>T on the coding strand, the complement: KRT13 is on the minus strand). VCF-style: chr17-41505503-G-A. GRCh37 (hg19) VCF-style: chr17-39661755-G-A.
Other names: c.48C>T, p.Phe16= (NM_002274.4).
Identifiers: ClinVar variation 3044939 (VCV003044939.2), dbSNP rs201712135, ClinGen allele CA8560882.